The following is an entry in ClinVar:

ClinVar aggregate classification (germline): Conflicting classifications of pathogenicity. Review status: criteria provided, conflicting classifications (1 of 4 stars). 3 submissions from 3 submitters: Uncertain significance (2); Benign (1). Last evaluated 2024-10-23.

Conditions:
Inborn genetic diseases. Identifiers: MedGen C0950123, MeSH D030342.
Landau-Kleffner syndrome (FESD). Also called: APHASIA, ACQUIRED, WITH EPILEPSY; EPILEPSY, FOCAL, WITH SPEECH DISORDER AND WITH OR WITHOUT MENTAL RETARDATION. Identifiers: Orphanet 1945, Orphanet 725, Orphanet 98818, MedGen C0282512, MONDO:0009509, OMIM 245570.

Allele frequency attached by ClinVar (database versions not stated): gnomAD exomes below 0.00001; gnomAD 0.00002; TOPMed 0.00007.
gnomAD v4.1: 8 of 1,614,046 alleles (0.0005%); highest among the groups gnomAD compares: Middle Eastern, 0.016%; no homozygotes.

Submissions (3):

Ambry Genetics
Classification: Uncertain significance for Inborn genetic diseases. Last evaluated: 2024-10-23. Review status: criteria provided, single submitter. Criteria: Ambry Variant Classification Scheme 2023. Collection method: clinical testing. Allele origin: germline.

Labcorp Genetics (formerly Invitae), Labcorp
Classification: Benign for Landau-Kleffner syndrome. Last evaluated: 2024-09-27. Review status: criteria provided, single submitter. Criteria: Invitae Variant Classification Sherloc (09022015). Collection method: clinical testing. Allele origin: germline.

GeneDx
Classification: Uncertain significance. Last evaluated: 2014-06-25. Review status: criteria provided, single submitter. Criteria: GeneDx Variant Classification (06012015). Collection method: clinical testing. Allele origin: germline. Affected: yes.
Comment: p.Arg899Trp (CGG>TGG): c.2695 C>T in exon 14 of the GRIN2A gene (NM_000833.3). The R899W variant has not been published as a mutation, nor has it been reported as a benign polymorphism to our knowledge. It was not observed in approximately 6,500 individuals of European and African American ancestry in the NHLBI Exome Sequencing Project, indicating it is not a common benign variant in these populations. The R899W variant is a non-conservative amino acid substitution, which is likely to impact secondary protein structure as these residues differ in polarity, charge, size and/or other properties. This substitution occurs at a position that is conserved across mammals, and a missense mutation in a nearby residue (I904F) has been reported in association with a GRIN2A-related disorder. Additionally, in silico analysis predicts this variant is probably damaging to the protein structure/function. Based on the currently available information, it is unclear whether this variant is a pathogenic mutation or a rare benign variant.The variant is found in EPILEPSY panel(s).

NM_001134407.3(GRIN2A):c.2695C>T (p.Arg899Trp)

Gene: GRIN2A (glutamate ionotropic receptor NMDA type subunit 2A; minus strand). Cytogenetic location: 16p13.2.
Variant type: single nucleotide variant.
Coding change: c.2695C>T on transcript NM_001134407.3 (MANE Select); coding-DNA position 2695, C replaced by T.
Protein change: p.Arg899Trp; replaces arginine 899 with tryptophan.
Molecular consequence: missense variant.
Genome position (GRCh38, 1-based): chr16:9,764,849, G>A on the plus strand (C>T on the coding strand, the complement: GRIN2A is on the minus strand). VCF-style: chr16-9764849-G-A. GRCh37 (hg19) VCF-style: chr16-9858706-G-A.
Other names: p.R899W:CGG>TGG; c.2695C>T, p.Arg899Trp (NM_000833.5, NM_001134408.2); short protein forms R899W.
Identifiers: ClinVar variation 205661 (VCV000205661.10), dbSNP rs796052553, ClinGen allele CA314954.
Genomic context (GRCh38, chr16:9,764,849, plus strand): 5'-TGGGTGAGTCCATTCTTGAGGAGTTCATGTTGGACATGCTGGAAATGTTTTTGGCTGACC[G>A]GAGGAGTTTTAACATGTTGCTCTGGGATCCCGTCAGATTGAAGTCTGGAGACTTCTTCTT-3'
Protein context (NP_001127879.1, residues 889-909): GSQSNMLKLL[Arg899Trp]SAKNISSMSN